The following is an entry in ClinVar:

NM_002470.4(MYH3):c.4263G>T (p.Arg1421Ser)

Gene: MYH3 (myosin heavy chain 3; minus strand). Cytogenetic location: 17p13.1.
Variant type: single nucleotide variant.
Coding change: c.4263G>T on transcript NM_002470.4 (MANE Select); coding-DNA position 4263, G replaced by T.
Protein change: p.Arg1421Ser; replaces arginine 1421 with serine.
Molecular consequence: missense variant.
Genome position (GRCh38, 1-based): chr17:10,634,933, C>A on the plus strand (G>T on the coding strand, the complement: MYH3 is on the minus strand). VCF-style: chr17-10634933-C-A. GRCh37 (hg19) VCF-style: chr17-10538250-C-A.
Other names: short protein forms R1421S.
Identifiers: ClinVar variation 4702404 (VCV004702404.1).

ClinVar aggregate classification (germline): Uncertain significance (1 of 4 stars; one submission).

Submission:

Labcorp Genetics (formerly Invitae), Labcorp
Classification: Uncertain significance. Last evaluated: 2025-12-11. Review status: criteria provided, single submitter. Criteria: Invitae Variant Classification Sherloc (09022015). Collection method: clinical testing. Allele origin: germline.
Comment: This sequence change replaces arginine, which is basic and polar, with serine, which is neutral and polar, at codon 1421 of the MYH3 protein (p.Arg1421Ser). This variant is not present in population databases (gnomAD no frequency). This variant has not been reported in the literature in individuals affected with MYH3-related conditions. Invitae Evidence Modeling of protein sequence and biophysical properties (such as structural, functional, and spatial information, amino acid conservation, physicochemical variation, residue mobility, and thermodynamic stability) indicates that this missense variant is not expected to disrupt MYH3 protein function with a negative predictive value of 95%. In summary, the available evidence is currently insufficient to determine the role of this variant in disease. Therefore, it has been classified as a Variant of Uncertain Significance.